The following is an entry in ClinVar:

NM_000069.3(CACNA1S):c.5473G>A (p.Val1825Met)

Gene: CACNA1S (calcium voltage-gated channel subunit alpha1 S; minus strand). Cytogenetic location: 1q32.1.
Variant type: single nucleotide variant.
Coding change: c.5473G>A on transcript NM_000069.3 (MANE Select); coding-DNA position 5473, G replaced by A.
Protein change: p.Val1825Met; replaces valine 1825 with methionine.
Molecular consequence: missense variant.
Genome position (GRCh38, 1-based): chr1:201,039,980, C>T on the plus strand (G>A on the coding strand, the complement: CACNA1S is on the minus strand). VCF-style: chr1-201039980-C-T. GRCh37 (hg19) VCF-style: chr1-201009108-C-T.
Other names: short protein forms V1825M.
Identifiers: ClinVar variation 2419836 (VCV002419836.8), dbSNP rs764984855, ClinGen allele CA344129044.

ClinVar aggregate classification (germline): Uncertain significance (1 of 4 stars; one submission).

Conditions:
Malignant hyperthermia, susceptibility to, 5 (MHS5). Also called: CACNA1S-Related Malignant Hyperthermia Susceptibility. Identifiers: Orphanet 423, MedGen C1866077, MONDO:0011163, OMIM 601887.
Hypokalemic periodic paralysis, type 1. Also called: HypoPP; Hypokalemic Periodic Paralysis Type 1 (AD). Identifiers: Orphanet 681, MedGen C3714580, MONDO:0042979, OMIM 170400.

Submission:

Labcorp Genetics (formerly Invitae), Labcorp
Classification: Uncertain significance for Hypokalemic periodic paralysis, type 1; Malignant hyperthermia, susceptibility to, 5. Last evaluated: 2022-05-03. Review status: criteria provided, single submitter. Criteria: Invitae Variant Classification Sherloc (09022015). Collection method: clinical testing. Allele origin: germline.
Comment: This variant is not present in population databases (gnomAD no frequency). In summary, the available evidence is currently insufficient to determine the role of this variant in disease. Therefore, it has been classified as a Variant of Uncertain Significance. Advanced modeling of protein sequence and biophysical properties (such as structural, functional, and spatial information, amino acid conservation, physicochemical variation, residue mobility, and thermodynamic stability) performed at Invitae indicates that this missense variant is not expected to disrupt CACNA1S protein function. This variant has not been reported in the literature in individuals affected with CACNA1S-related conditions. This sequence change replaces valine, which is neutral and non-polar, with methionine, which is neutral and non-polar, at codon 1825 of the CACNA1S protein (p.Val1825Met).